The following is an entry in ClinVar:

ClinVar aggregate classification (germline): Likely benign. Review status: criteria provided, multiple submitters, no conflicts (2 of 4 stars). 2 submissions from 2 submitters: Likely benign (2). Last evaluated 2023-10-18.

Conditions:
Neurodevelopmental disorder with or without hyperkinetic movements and seizures, autosomal dominant. Also called: Intellectual disability, autosomal dominant 8. Identifiers: MedGen C3280282, MONDO:0013655, OMIM 614254.

Allele frequency attached by ClinVar (database versions not stated): TOPMed below 0.00001; gnomAD exomes 0.00002.
gnomAD v4.1: 22 of 1,606,164 alleles (0.0014%); highest among the groups gnomAD compares: Non-Finnish European, 0.0018%; no homozygotes.

Submissions (2):

Labcorp Genetics (formerly Invitae), Labcorp
Classification: Likely benign for Neurodevelopmental disorder with or without hyperkinetic movements and seizures, autosomal dominant. Last evaluated: 2023-10-18. Review status: criteria provided, single submitter. Criteria: Invitae Variant Classification Sherloc (09022015). Collection method: clinical testing. Allele origin: germline.

GeneDx
Classification: Likely benign. Last evaluated: 2016-07-14. Review status: criteria provided, single submitter. Criteria: GeneDx Variant Classification (06012015). Collection method: clinical testing. Allele origin: germline. Affected: yes.
Comment: This variant is considered likely benign or benign based on one or more of the following criteria: it is a conservative change, it occurs at a poorly conserved position in the protein, it is predicted to be benign by multiple in silico algorithms, and/or has population frequency not consistent with disease.

NM_007327.4(GRIN1):c.1989C>T (p.Arg663=)

Gene: GRIN1 (glutamate ionotropic receptor NMDA type subunit 1; plus strand). Cytogenetic location: 9q34.3.
Variant type: single nucleotide variant.
Coding change: c.1989C>T on transcript NM_007327.4 (MANE Select); coding-DNA position 1989, C replaced by T.
Protein change: p.Arg663=; no amino-acid change (arginine 663 retained).
Molecular consequence: synonymous variant.
Genome position (GRCh38, 1-based): chr9:137,162,715, C>T. VCF-style: chr9-137162715-C-T. GRCh37 (hg19) VCF-style: chr9-140057167-C-T.
Other names: c.1989C>T, p.Arg663= (NM_000832.7, NM_021569.4); c.2052C>T, p.Arg684= (NM_001185090.2, NM_001185091.2).
Identifiers: ClinVar variation 387705 (VCV000387705.4), dbSNP rs1030685877, ClinGen allele CA16606482.
Genomic context (GRCh38, chr9:137,162,715, plus strand): 5'-CGTGGCCTCCTACACCGCCAACCTGGCGGCCTTCCTGGTGCTGGACCGGCCGGAGGAGCG[C>T]ATCACGGGCATCAACGACCCTCGGGTGAGGCCTGGCCGGGCTGGGGGAGGGAATGCGAGG-3'
Protein context (NP_015566.1, residues 653-673): AFLVLDRPEE[Arg663=]ITGINDPRLR